The following is an entry in ClinVar:

ClinVar aggregate classification (germline): Uncertain significance (1 of 4 stars; one submission).

gnomAD v4.1: 19 of 1,609,496 alleles (0.0012%); highest among the groups gnomAD compares: Non-Finnish European, 0.0014%; no homozygotes.

Submission:

Labcorp Genetics (formerly Invitae), Labcorp
Classification: Uncertain significance. Last evaluated: 2025-05-24. Review status: criteria provided, single submitter. Criteria: Invitae Variant Classification Sherloc (09022015). Collection method: clinical testing. Allele origin: germline.
Comment: This sequence change replaces aspartic acid, which is acidic and polar, with asparagine, which is neutral and polar, at codon 530 of the KIF23 protein (p.Asp530Asn). This variant is present in population databases (rs769080789, gnomAD 0.004%). This variant has not been reported in the literature in individuals affected with KIF23-related conditions. Invitae Evidence Modeling of protein sequence and biophysical properties (such as structural, functional, and spatial information, amino acid conservation, physicochemical variation, residue mobility, and thermodynamic stability) indicates that this missense variant is not expected to disrupt KIF23 protein function with a negative predictive value of 80%. In summary, the available evidence is currently insufficient to determine the role of this variant in disease. Therefore, it has been classified as a Variant of Uncertain Significance.

NM_001367805.3(KIF23):c.1630G>A (p.Asp544Asn)

Gene: KIF23 (kinesin family member 23; plus strand). Cytogenetic location: 15q23.
Variant type: single nucleotide variant.
Coding change: c.1630G>A on transcript NM_001367805.3 (MANE Select); coding-DNA position 1630, G replaced by A.
Protein change: p.Asp544Asn; replaces aspartic acid 544 with asparagine.
Molecular consequence: missense variant. On other transcripts: non-coding transcript variant (2).
Genome position (GRCh38, 1-based): chr15:69,438,280, G>A. VCF-style: chr15-69438280-G-A. GRCh37 (hg19) VCF-style: chr15-69730619-G-A.
Other names: c.1258G>A, p.Asp420Asn (NM_001281301.2); c.1588G>A, p.Asp530Asn (NM_001367804.2, NM_004856.7, NM_138555.4); short protein forms D420N, D530N, D544N.
Identifiers: ClinVar variation 4693197 (VCV004693197.1).